The following is an entry in ClinVar:

ClinVar aggregate classification (germline): Uncertain significance. Review status: criteria provided, multiple submitters, no conflicts (2 of 4 stars). 3 submissions from 2 submitters: Uncertain significance (3). Last evaluated 2022-08-20.

Conditions:
Severe combined immunodeficiency due to DCLRE1C deficiency (RS-SCID). Also called: SCID, AUTOSOMAL RECESSIVE, T CELL-NEGATIVE, B CELL-NEGATIVE, NK CELL-POSITIVE, WITH SENSITIVITY TO IONIZING RADIATION. Identifiers: Orphanet 275, MedGen C1865371, MONDO:0011225, OMIM 602450.
DNA ligase IV deficiency. Identifiers: Orphanet 99812, MedGen C1847827, MONDO:0011686, OMIM 606593.

Allele frequency attached by ClinVar (database versions not stated): gnomAD exomes 0.00002; TOPMed 0.00003; gnomAD 0.00004 and 0.00003; ExAC 0.00002.
gnomAD v4.1: 62 of 1,613,726 alleles (0.0038%); highest among the groups gnomAD compares: Non-Finnish European, 0.0048%; no homozygotes.

Submissions (3):

Labcorp Genetics (formerly Invitae), Labcorp
Classification: Uncertain significance for DNA ligase IV deficiency. Last evaluated: 2022-08-20. Review status: criteria provided, single submitter. Criteria: Invitae Variant Classification Sherloc (09022015). Collection method: clinical testing. Allele origin: germline.
Comment: This sequence change replaces isoleucine, which is neutral and non-polar, with valine, which is neutral and non-polar, at codon 203 of the LIG4 protein (p.Ile203Val). This variant is present in population databases (rs778278351, gnomAD 0.004%). This variant has not been reported in the literature in individuals affected with LIG4-related conditions. ClinVar contains an entry for this variant (Variation ID: 310989). Algorithms developed to predict the effect of missense changes on protein structure and function output the following: SIFT: "Tolerated"; PolyPhen-2: "Benign"; Align-GVGD: "Class C0". The valine amino acid residue is found in multiple mammalian species, which suggests that this missense change does not adversely affect protein function. In summary, the available evidence is currently insufficient to determine the role of this variant in disease. Therefore, it has been classified as a Variant of Uncertain Significance.

Illumina Laboratory Services, Illumina
Classification: Uncertain significance for DNA ligase IV deficiency. Last evaluated: 2018-01-13. Review status: criteria provided, single submitter. Criteria: ICSL Variant Classification Criteria 13 December 2019. Collection method: clinical testing. Allele origin: germline.

Illumina Laboratory Services, Illumina
Classification: Uncertain significance for Severe combined immunodeficiency due to DCLRE1C deficiency. Last evaluated: 2018-01-13. Review status: criteria provided, single submitter. Criteria: ICSL Variant Classification Criteria 13 December 2019. Collection method: clinical testing. Allele origin: germline.

NM_206937.2(LIG4):c.607A>G (p.Ile203Val)

Gene: LIG4 (DNA ligase 4; minus strand). Cytogenetic location: 13q33.3.
Variant type: single nucleotide variant.
Coding change: c.607A>G on transcript NM_206937.2 (MANE Select); coding-DNA position 607, A replaced by G.
Protein change: p.Ile203Val; replaces isoleucine 203 with valine.
Molecular consequence: missense variant.
Genome position (GRCh38, 1-based): chr13:108,210,662, T>C on the plus strand (A>G on the coding strand, the complement: LIG4 is on the minus strand). VCF-style: chr13-108210662-T-C. GRCh37 (hg19) VCF-style: chr13-108863010-T-C.
Other names: c.607A>G, p.Ile203Val (NM_001098268.2, NM_001352598.2, NM_001352599.2 and 6 more transcripts); c.406A>G, p.Ile136Val (NM_001330595.2); c.643A>G, p.Ile215Val (NM_001352604.2); short protein forms I203V, I136V, I215V.
Identifiers: ClinVar variation 310989 (VCV000310989.9), dbSNP rs778278351, ClinGen allele CA7043820.